The following is an entry in ClinVar:

NM_007194.4(CHEK2):c.1250T>A (p.Leu417His)

Gene: CHEK2 (checkpoint kinase 2; minus strand). Cytogenetic location: 22q12.1.
Variant type: single nucleotide variant.
Coding change: c.1250T>A on transcript NM_007194.4 (MANE Select); coding-DNA position 1250, T replaced by A.
Protein change: p.Leu417His; replaces leucine 417 with histidine.
Molecular consequence: missense variant.
Genome position (GRCh38, 1-based): chr22:28,695,719, A>T on the plus strand (T>A on the coding strand, the complement: CHEK2 is on the minus strand). VCF-style: chr22-28695719-A-T. GRCh37 (hg19) VCF-style: chr22-29091707-A-T.
Other names: c.1379T>A, p.Leu460His (NM_001005735.3); c.587T>A, p.Leu196His (NM_001257387.3); c.1049T>A, p.Leu350His (NM_001349956.3); c.1163T>A, p.Leu388His (NM_145862.3); short protein forms L350H, L460H, L417H, L196H, L388H.
Identifiers: ClinVar variation 2778806 (VCV002778806.4), dbSNP rs1569113171, ClinGen allele CA411096538.

ClinVar aggregate classification (germline): Uncertain significance. Review status: criteria provided, multiple submitters, no conflicts (2 of 4 stars). 2 submissions from 2 submitters: Uncertain significance (2). Last evaluated 2025-05-13.

Conditions:
Familial cancer of breast. Also called: Hereditary breast cancer; BREAST CANCER, FAMILIAL; hereditary breast carcinoma. Identifiers: Orphanet 227535, MedGen C0346153, MONDO:0016419, OMIM 114480. Disease mechanism: loss of function.
Hereditary cancer-predisposing syndrome. Also called: Neoplastic Syndromes, Hereditary; Tumor predisposition; Hereditary Cancer Syndrome; Hereditary neoplastic syndrome. Identifiers: Orphanet 140162, MedGen C0027672, MeSH D009386, MONDO:0015356.

Submissions (2):

Ambry Genetics
Classification: Uncertain significance for Hereditary cancer-predisposing syndrome. Last evaluated: 2025-05-13. Review status: criteria provided, single submitter. Criteria: Ambry Variant Classification Scheme 2023. Collection method: clinical testing. Allele origin: germline.

Labcorp Genetics (formerly Invitae), Labcorp
Classification: Uncertain significance for Familial cancer of breast. Last evaluated: 2023-07-24. Review status: criteria provided, single submitter. Criteria: Invitae Variant Classification Sherloc (09022015). Collection method: clinical testing. Allele origin: germline.
Comment: This variant has not been reported in the literature in individuals affected with CHEK2-related conditions. An algorithm developed to predict the effect of missense changes on protein structure and function (PolyPhen-2) suggests that this variant is likely to be disruptive. In summary, the available evidence is currently insufficient to determine the role of this variant in disease. Therefore, it has been classified as a Variant of Uncertain Significance. This variant is not present in population databases (gnomAD no frequency). This sequence change replaces leucine, which is neutral and non-polar, with histidine, which is basic and polar, at codon 417 of the CHEK2 protein (p.Leu417His).